The following is an entry in ClinVar:

ClinVar aggregate classification (germline): Uncertain significance (1 of 4 stars; one submission).

Allele frequency attached by ClinVar (database versions not stated): ExAC 0.00002; gnomAD 0.00004; TOPMed 0.00004; gnomAD exomes 0.00005 and 0.00009; ESP Exome Variant Server 0.00008.
gnomAD v4.1: 137 of 1,613,976 alleles (0.0085%); highest among the groups gnomAD compares: Non-Finnish European, 0.011%; 1 homozygote.

Submission:

Labcorp Genetics (formerly Invitae), Labcorp
Classification: Uncertain significance. Last evaluated: 2025-02-18. Review status: criteria provided, single submitter. Criteria: Invitae Variant Classification Sherloc (09022015). Collection method: clinical testing. Allele origin: germline.
Comment: This sequence change replaces glycine, which is neutral and non-polar, with arginine, which is basic and polar, at codon 94 of the EMC1 protein (p.Gly94Arg). This variant is present in population databases (rs148404729, gnomAD 0.009%). This variant has not been reported in the literature in individuals affected with EMC1-related conditions. ClinVar contains an entry for this variant (Variation ID: 1041686). Invitae Evidence Modeling of protein sequence and biophysical properties (such as structural, functional, and spatial information, amino acid conservation, physicochemical variation, residue mobility, and thermodynamic stability) indicates that this missense variant is not expected to disrupt EMC1 protein function with a negative predictive value of 80%. In summary, the available evidence is currently insufficient to determine the role of this variant in disease. Therefore, it has been classified as a Variant of Uncertain Significance.

NM_015047.3(EMC1):c.280G>A (p.Gly94Arg)

Gene: EMC1 (ER membrane protein complex subunit 1; minus strand). Cytogenetic location: 1p36.13.
Variant type: single nucleotide variant.
Coding change: c.280G>A on transcript NM_015047.3 (MANE Select); coding-DNA position 280, G replaced by A.
Protein change: p.Gly94Arg; replaces glycine 94 with arginine.
Molecular consequence: missense variant. On other transcripts: intron variant (1).
Genome position (GRCh38, 1-based): chr1:19,243,956, C>T on the plus strand (G>A on the coding strand, the complement: EMC1 is on the minus strand). VCF-style: chr1-19243956-C-T. GRCh37 (hg19) VCF-style: chr1-19570450-C-T.
Other names: c.280G>A, p.Gly94Arg (NM_001271427.2, NM_001271428.2, NM_001375820.1 and 1 more transcripts); c.221-249G>A (NM_001271429.2); short protein forms G94R.
Identifiers: ClinVar variation 1041686 (VCV001041686.6), dbSNP rs148404729, ClinGen allele CA652992.